The following is an entry in ClinVar:

ClinVar aggregate classification (germline): Uncertain significance (1 of 4 stars; one submission).

Conditions:
Fibrous dysplasia of jaw (CRBM). Also called: Cherubism. Identifiers: Orphanet 184, MedGen C0008029, MONDO:0007315, OMIM 118400.

Allele frequency attached by ClinVar (database versions not stated): ExAC 0.00001; gnomAD exomes below 0.00001; gnomAD 0.00001; TOPMed 0.00001.
gnomAD v4.1: 6 of 1,612,706 alleles (0.00037%); highest among the groups gnomAD compares: African/African-American, 0.0013%; no homozygotes.

Submission:

Labcorp Genetics (formerly Invitae), Labcorp
Classification: Uncertain significance for Fibrous dysplasia of jaw. Last evaluated: 2025-09-21. Review status: criteria provided, single submitter. Criteria: Invitae Variant Classification Sherloc (09022015). Collection method: clinical testing. Allele origin: germline.
Comment: This sequence change replaces aspartic acid, which is acidic and polar, with asparagine, which is neutral and polar, at codon 279 of the SH3BP2 protein (p.Asp279Asn). This variant is present in population databases (rs764985576, gnomAD 0.003%). This variant has not been reported in the literature in individuals affected with SH3BP2-related conditions. ClinVar contains an entry for this variant (Variation ID: 2972542). Invitae Evidence Modeling of protein sequence and biophysical properties (such as structural, functional, and spatial information, amino acid conservation, physicochemical variation, residue mobility, and thermodynamic stability) indicates that this missense variant is not expected to disrupt SH3BP2 protein function with a negative predictive value of 95%. In summary, the available evidence is currently insufficient to determine the role of this variant in disease. Therefore, it has been classified as a Variant of Uncertain Significance.

NM_001122681.2(SH3BP2):c.835G>A (p.Asp279Asn)

Gene: SH3BP2 (SH3 domain binding protein 2; plus strand). Cytogenetic location: 4p16.3.
Variant type: single nucleotide variant.
Coding change: c.835G>A on transcript NM_001122681.2 (MANE Select); coding-DNA position 835, G replaced by A.
Protein change: p.Asp279Asn; replaces aspartic acid 279 with asparagine.
Molecular consequence: missense variant.
Genome position (GRCh38, 1-based): chr4:2,829,741, G>A. VCF-style: chr4-2829741-G-A. GRCh37 (hg19) VCF-style: chr4-2831468-G-A.
Other names: c.919G>A, p.Asp307Asn (NM_001145855.2); c.1006G>A, p.Asp336Asn (NM_001145856.2); c.835G>A, p.Asp279Asn (NM_003023.4); short protein forms D279N, D336N, D307N.
Identifiers: ClinVar variation 2972542 (VCV002972542.3), dbSNP rs764985576, ClinGen allele CA2819332.